The following is an entry in ClinVar:

NM_003322.6(TULP1):c.983T>C (p.Leu328Pro)

Gene: TULP1 (TUB like protein 1; minus strand). Cytogenetic location: 6p21.31.
Variant type: single nucleotide variant.
Coding change: c.983T>C on transcript NM_003322.6 (MANE Select); coding-DNA position 983, T replaced by C.
Protein change: p.Leu328Pro; replaces leucine 328 with proline.
Molecular consequence: missense variant.
Genome position (GRCh38, 1-based): chr6:35,506,019, A>G on the plus strand (T>C on the coding strand, the complement: TULP1 is on the minus strand). VCF-style: chr6-35506019-A-G. GRCh37 (hg19) VCF-style: chr6-35473796-A-G.
Other names: c.824T>C, p.Leu275Pro (NM_001289395.2); short protein forms L275P, L328P.
Identifiers: ClinVar variation 1715229 (VCV001715229.5), dbSNP rs2533795731, ClinGen allele CA363780020.
Genomic context (GRCh38, chr6:35,506,019, plus strand): 5'-CGGATCCCTCCACACTCCCTCCTCTGCTGCCTCTCCCCACCCACCTTCTTCTCCGTGTCC[A>G]GGTGCAGGAAGTAGGAGGGATACATGCCTCGATCCATGCCCTTTTTGTCCCGGGTCAGCC-3'
Protein context (NP_003313.3, residues 318-338): RGMYPSYFLH[Leu328Pro]DTEKKVFLLA

ClinVar aggregate classification (germline): Uncertain significance (1 of 4 stars; one submission).

Submission:

Labcorp Genetics (formerly Invitae), Labcorp
Classification: Uncertain significance. Last evaluated: 2024-11-18. Review status: criteria provided, single submitter. Criteria: Invitae Variant Classification Sherloc (09022015). Collection method: clinical testing. Allele origin: germline.
Comment: This sequence change replaces leucine, which is neutral and non-polar, with proline, which is neutral and non-polar, at codon 328 of the TULP1 protein (p.Leu328Pro). This variant is not present in population databases (gnomAD no frequency). This variant has not been reported in the literature in individuals affected with TULP1-related conditions. ClinVar contains an entry for this variant (Variation ID: 1715229). Invitae Evidence Modeling of protein sequence and biophysical properties (such as structural, functional, and spatial information, amino acid conservation, physicochemical variation, residue mobility, and thermodynamic stability) indicates that this missense variant is expected to disrupt TULP1 protein function with a positive predictive value of 95%. In summary, the available evidence is currently insufficient to determine the role of this variant in disease. Therefore, it has been classified as a Variant of Uncertain Significance.